The following is an entry in ClinVar:

ClinVar aggregate classification (germline): Uncertain significance (1 of 4 stars; one submission).

Conditions:
Hypertrophic cardiomyopathy 1 (CMH1). Also called: Familial hypertrophic cardiomyopathy 1; MYH7-Related Familial Hypertrophic Cardiomyopathy. Identifiers: MedGen C3495498, MONDO:0008647, OMIM 192600.

Allele frequency attached by ClinVar (database versions not stated): gnomAD exomes below 0.00001; ExAC 0.00001; gnomAD 0.00002 and 0.00003; TOPMed 0.00002.
gnomAD v4.1: 9 of 1,613,950 alleles (0.00056%); highest among the groups gnomAD compares: African/African-American, 0.0027%; no homozygotes.

Submission:

Labcorp Genetics (formerly Invitae), Labcorp
Classification: Uncertain significance for Hypertrophic cardiomyopathy 1. Last evaluated: 2024-12-26. Review status: criteria provided, single submitter. Criteria: Invitae Variant Classification Sherloc (09022015). Collection method: clinical testing. Allele origin: germline.
Comment: This sequence change replaces asparagine, which is neutral and polar, with serine, which is neutral and polar, at codon 341 of the MYLK2 protein (p.Asn341Ser). This variant is present in population databases (rs776210812, gnomAD 0.004%). This variant has not been reported in the literature in individuals affected with MYLK2-related conditions. ClinVar contains an entry for this variant (Variation ID: 473040). Invitae Evidence Modeling of protein sequence and biophysical properties (such as structural, functional, and spatial information, amino acid conservation, physicochemical variation, residue mobility, and thermodynamic stability) indicates that this missense variant is not expected to disrupt MYLK2 protein function with a negative predictive value of 80%. In summary, the available evidence is currently insufficient to determine the role of this variant in disease. Therefore, it has been classified as a Variant of Uncertain Significance.

NM_033118.4(MYLK2):c.1022A>G (p.Asn341Ser)

Gene: MYLK2 (myosin light chain kinase 2; plus strand). Cytogenetic location: 20q11.21.
Variant type: single nucleotide variant.
Coding change: c.1022A>G on transcript NM_033118.4 (MANE Select); coding-DNA position 1022, A replaced by G.
Protein change: p.Asn341Ser; replaces asparagine 341 with serine.
Molecular consequence: missense variant.
Genome position (GRCh38, 1-based): chr20:31,826,654, A>G. VCF-style: chr20-31826654-A-G. GRCh37 (hg19) VCF-style: chr20-30414457-A-G.
Other names: short protein forms N341S.
Identifiers: ClinVar variation 473040 (VCV000473040.8), dbSNP rs776210812, ClinGen allele CA9803083.